The following is an entry in ClinVar:

ClinVar aggregate classification (germline): Likely pathogenic. Review status: criteria provided, single submitter (1 of 4 stars). 2 submissions from 2 submitters: Likely pathogenic (1). 1 of the submissions does not count toward it. Last evaluated 2025-07-10.

Conditions:
Alopecia-intellectual disability syndrome 4. Also called: ALOPECIA-MENTAL RETARDATION SYNDROME 4. Identifiers: MedGen C5394241, MONDO:0030009, OMIM 618840.

Allele frequency attached by ClinVar (database versions not stated): TOPMed 0.00001.
gnomAD v4.1: 6 of 1,600,964 alleles (0.00037%); highest among the groups gnomAD compares: Non-Finnish European, 0.00051%; no homozygotes.

Submissions (2):

Labcorp Genetics (formerly Invitae), Labcorp
Classification: Likely pathogenic. Last evaluated: 2025-07-10. Review status: criteria provided, single submitter. Criteria: Invitae Variant Classification Sherloc (09022015). Collection method: clinical testing. Allele origin: germline.
Comment: This sequence change replaces asparagine, which is neutral and polar, with tyrosine, which is neutral and polar, at codon 209 of the LSS protein (p.Asn209Tyr). This variant is present in population databases (rs754230211, gnomAD 0.0009%). This missense change has been observed in individual(s) with congenital alopecia and intellectual disability (PMID: 30401459). In at least one individual the data is consistent with being in trans (on the opposite chromosome) from a pathogenic variant. It has also been observed to segregate with disease in related individuals. ClinVar contains an entry for this variant (Variation ID: 599323). An algorithm developed to predict the effect of missense changes on protein structure and function (PolyPhen-2) suggests that this variant is likely to be disruptive. Experimental studies have shown that this missense change affects LSS function (PMID: 30401459). In summary, the currently available evidence indicates that the variant is pathogenic, but additional data are needed to prove that conclusively. Therefore, this variant has been classified as Likely Pathogenic.

OMIM
Classification: Pathogenic for ALOPECIA-INTELLECTUAL DISABILITY SYNDROME 4. Last evaluated: 2022-02-10. Review status: no assertion criteria provided. Collection method: literature only. Allele origin: germline. Not counted in ClinVar's aggregate classification.

Literature cited by the submitters: PubMed 30401459 (cited by Labcorp Genetics (formerly Invitae), Labcorp); Romano, M.-T., Tafazzoli, A., Mattern, M., Sivalingam, S., Wolf, S., Rupp, A., Thiele, H., Altmuller, J., Nurnberg, P., Ellwanger, J., Gambon, R., Baumer, A., and 10 others Bi-allelic mutations in LSS, encoding lanosterol synthase, cause autosomal-recessive hypotrichosis simplex. Am. J. Hum. Genet. 103: 777-785, 2018. (cited by OMIM).

NM_002340.6(LSS):c.625A>T (p.Asn209Tyr)

Gene: LSS (lanosterol synthase; minus strand). Cytogenetic location: 21q22.3.
Variant type: single nucleotide variant.
Coding change: c.625A>T on transcript NM_002340.6 (MANE Select); coding-DNA position 625, A replaced by T.
Protein change: p.Asn209Tyr; replaces asparagine 209 with tyrosine.
Molecular consequence: missense variant.
Genome position (GRCh38, 1-based): chr21:46,219,498, T>A on the plus strand (A>T on the coding strand, the complement: LSS is on the minus strand). VCF-style: chr21-46219498-T-A. GRCh37 (hg19) VCF-style: chr21-47639412-T-A.
Other names: c.625A>T, p.Asn209Tyr (NM_001001438.3); c.592A>T, p.Asn198Tyr (NM_001145436.2); c.385A>T, p.Asn129Tyr (NM_001145437.2); short protein forms N209Y, N129Y, N198Y.
Identifiers: ClinVar variation 599323 (VCV000599323.9), dbSNP rs754230211, ClinGen allele CA10075410.